The following is an entry in ClinVar:

NM_000360.4(TH):c.480dup (p.Pro161fs)

Gene: TH (tyrosine hydroxylase; minus strand). Cytogenetic location: 11p15.5.
Variant type: Duplication.
Coding change: c.480dup on transcript NM_000360.4 (MANE Select); coding-DNA position 480, one base duplicated (G; older notation c.480dupG).
Protein change: p.Pro161fs; shifts the reading frame from proline 161.
Molecular consequence: frameshift variant.
Genome position (GRCh38, 1-based): chr11:2,168,498, C duplicated on the plus strand (G on the coding strand, the reverse complement: TH is on the minus strand); the first of 4 consecutive C bases (chr11:2,168,498-2,168,501); duplicating any one gives the same sequence. VCF-style (leftmost placement, unchanged base first): chr11-2168497-G-GC. GRCh37 (hg19) VCF-style: chr11-2189727-G-GC.
Other names: c.492dup, p.Pro165fs (NM_001440535.1, NM_001440536.1); c.480dup, p.Pro161fs (NM_001440537.1); c.573dup, p.Pro192fs (NM_199292.3); c.561dup, p.Pro188fs (NM_199293.3); short protein forms P161fs, P165fs, P188fs, P192fs.
Identifiers: ClinVar variation 5012208 (VCV005012208.1).

ClinVar aggregate classification (germline): Pathogenic (1 of 4 stars; one submission).

Conditions:
TH-deficient dopa-responsive dystonia. Also called: Segawa syndrome, autosomal recessive; Tyrosine Hydroxylase-Deficient Dopa-Responsive Dystonia; DYT-TH. Identifiers: Orphanet 101150, MedGen C2673535, MONDO:0011551, OMIM 605407.

Submission:

Myriad Genetics, Inc.
Classification: Pathogenic for TH-deficient dopa-responsive dystonia. Last evaluated: 2023-09-27. Review status: criteria provided, single submitter. Criteria: Myriad Autosomal Dominant, Autosomal Recessive and X-Linked Classification Criteria (2023). Collection method: clinical testing. Allele origin: unknown.
Comment: NM_199292.2(TH):c.573dupG(P192Afs*26) is expected to be pathogenic in the context of tyrosine hydroxylase deficiency. This variant is predicted to lead to an abnormal or absent protein product due to the creation of a premature termination codon in TH, a gene where loss-of-function variants are known to be pathogenic. Please note: this variant was assessed in the context of healthy population screening.